The following is an entry in ClinVar:

ClinVar aggregate classification (germline): Uncertain significance. Review status: criteria provided, multiple submitters, no conflicts (2 of 4 stars). 4 submissions from 4 submitters: Uncertain significance (4). Last evaluated 2025-11-01.

Conditions:
Achromatopsia 2 (ACHM2). Also called: ROD MONOCHROMACY 2; ROD MONOCHROMATISM 2; COLORBLINDNESS, TOTAL. Identifiers: Orphanet 49382, MedGen C1857618, MONDO:0009003, OMIM 216900.

Allele frequency attached by ClinVar (database versions not stated): TOPMed below 0.00001; gnomAD 0.00001; ExAC 0.00004; gnomAD exomes 0.00004; ESP Exome Variant Server 0.00008.
gnomAD v4.1: 56 of 1,613,786 alleles (0.0035%); highest among the groups gnomAD compares: East Asian, 0.045%; no homozygotes.

Submissions (4):

CeGaT Center for Human Genetics Tuebingen
Classification: Uncertain significance. Last evaluated: 2025-11-01. Review status: criteria provided, single submitter. Criteria: CeGaT Center For Human Genetics Tuebingen Variant Classification Criteria Version 2. Collection method: clinical testing. Allele origin: germline. Affected: yes. Observed: 1 variant allele.
Comment: CNGA3: PM2, PM5

Blueprint Genetics
Classification: Uncertain significance. Last evaluated: 2024-09-24. Review status: criteria provided, single submitter. Criteria: ACMG Guidelines, 2015. Collection method: clinical testing. Allele origin: germline.

Labcorp Genetics (formerly Invitae), Labcorp
Classification: Uncertain significance. Last evaluated: 2022-10-18. Review status: criteria provided, single submitter. Criteria: Invitae Variant Classification Sherloc (09022015). Collection method: clinical testing. Allele origin: germline.
Comment: This sequence change replaces valine, which is neutral and non-polar, with methionine, which is neutral and non-polar, at codon 160 of the CNGA3 protein (p.Val160Met). This variant is present in population databases (rs373542579, gnomAD 0.02%). This variant has not been reported in the literature in individuals affected with CNGA3-related conditions. ClinVar contains an entry for this variant (Variation ID: 898383). Algorithms developed to predict the effect of missense changes on protein structure and function output the following: SIFT: "Deleterious"; PolyPhen-2: "Possibly Damaging"; Align-GVGD: "Class C0". The methionine amino acid residue is found in multiple mammalian species, which suggests that this missense change does not adversely affect protein function. In summary, the available evidence is currently insufficient to determine the role of this variant in disease. Therefore, it has been classified as a Variant of Uncertain Significance.

Illumina Laboratory Services, Illumina
Classification: Uncertain significance for Achromatopsia 2. Last evaluated: 2018-01-13. Review status: criteria provided, single submitter. Criteria: ICSL Variant Classification Criteria 13 December 2019. Collection method: clinical testing. Allele origin: germline.

NM_001298.3(CNGA3):c.478G>A (p.Val160Met)

Gene: CNGA3 (cyclic nucleotide gated channel subunit alpha 3; plus strand). Cytogenetic location: 2q11.2.
Variant type: single nucleotide variant.
Coding change: c.478G>A on transcript NM_001298.3 (MANE Select); coding-DNA position 478, G replaced by A.
Protein change: p.Val160Met; replaces valine 160 with methionine.
Molecular consequence: missense variant.
Genome position (GRCh38, 1-based): chr2:98,389,686, G>A. VCF-style: chr2-98389686-G-A. GRCh37 (hg19) VCF-style: chr2-99006149-G-A.
Other names: c.424G>A, p.Val142Met (NM_001079878.2); short protein forms V142M, V160M.
Identifiers: ClinVar variation 898383 (VCV000898383.15), dbSNP rs373542579, ClinGen allele CA1793771.